The following is an entry in ClinVar:

NM_004646.4(NPHS1):c.3619del (p.Glu1207fs)

Gene: NPHS1 (NPHS1 adhesion molecule, nephrin; minus strand). Cytogenetic location: 19q13.12.
Variant type: Deletion.
Coding change: c.3619del on transcript NM_004646.4 (MANE Select); coding-DNA position 3619, one base deleted (G; older notation c.3619delG).
Protein change: p.Glu1207fs; shifts the reading frame from glutamic acid 1207.
Molecular consequence: frameshift variant.
Genome position (GRCh38, 1-based): chr19:35,826,621, C deleted on the plus strand (G on the coding strand, the reverse complement: NPHS1 is on the minus strand). VCF-style (leftmost placement, unchanged base first): chr19-35826620-TC-T. GRCh37 (hg19) VCF-style: chr19-36317522-TC-T.
Other names: c.3619delG (NM_004646.3); c.3619del (NM_004646.3); short protein forms E1207fs.
Identifiers: ClinVar variation 553466 (VCV000553466.5), dbSNP rs1430464721, ClinGen allele CA632775039.

ClinVar aggregate classification (germline): Likely pathogenic. Review status: criteria provided, multiple submitters, no conflicts (2 of 4 stars). 3 submissions from 3 submitters: Likely pathogenic (2). 1 of the submissions does not count toward it. Last evaluated 2025-05-22.

Conditions:
Finnish congenital nephrotic syndrome (NPHS1). Also called: NEPHROTIC SYNDROME, TYPE 1. Identifiers: Orphanet 839, MedGen C0403399, MONDO:0009732, OMIM 256300.

Allele frequency attached by ClinVar (database versions not stated): gnomAD exomes below 0.00001; TOPMed below 0.00001.

Submissions (3):

Natera, Inc.
Classification: Likely pathogenic for Finnish congenital nephrotic syndrome. Last evaluated: 2025-05-22. Review status: criteria provided, single submitter. Criteria: Natera Variant Classification Schema (03/2026). Collection method: clinical testing. Allele origin: germline.
Comment: The c.3619del variant in NPHS1 is a frameshift variant predicted to shift the reading frame beginning at codon 1207 and leads to a stop codon 30 codons downstream. This variant may result in a truncated or dysfunctional protein product. This variant is rare in the general population with a frequency below the threshold expected for the associated phenotype(s). This variant has been observed in one or more individuals affected with the associated recessive disease, as either homozygous or compound heterozygous with a second variant (PMID: 33980730). Given the available evidence, this variant is classified as Likely Pathogenic.

Fulgent Genetics
Classification: Likely pathogenic for Finnish congenital nephrotic syndrome. Last evaluated: 2024-02-12. Review status: criteria provided, single submitter. Criteria: ACMG Guidelines, 2015. Collection method: clinical testing. Allele origin: germline.

Counsyl
Classification: Likely pathogenic for Finnish congenital nephrotic syndrome. Last evaluated: 2017-08-25. Review status: no assertion criteria provided. Collection method: clinical testing. Allele origin: unknown. Not counted in ClinVar's aggregate classification.

Literature cited by the submitters: PubMed 33980730 (cited by Natera, Inc.); PubMed 18503012 (cited by Counsyl); PubMed 21415313 (cited by Counsyl).